The following is an entry in ClinVar:

NM_018089.3(ANKZF1):c.1306C>T (p.Arg436Trp)

Gene: ANKZF1 (ankyrin repeat and zinc finger peptidyl tRNA hydrolase 1; plus strand). Cytogenetic location: 2q35.
Variant type: single nucleotide variant.
Coding change: c.1306C>T on transcript NM_018089.3 (MANE Select); coding-DNA position 1306, C replaced by T.
Protein change: p.Arg436Trp; replaces arginine 436 with tryptophan.
Molecular consequence: missense variant.
Genome position (GRCh38, 1-based): chr2:219,234,927, C>T. VCF-style: chr2-219234927-C-T. GRCh37 (hg19) VCF-style: chr2-220099649-C-T.
Other names: c.1306C>T, p.Arg436Trp (NM_001042410.2); c.676C>T, p.Arg226Trp (NM_001282792.2); short protein forms R436W, R226W.
Identifiers: ClinVar variation 1514171 (VCV001514171.8), dbSNP rs771781981, ClinGen allele CA2121036.

ClinVar aggregate classification (germline): Uncertain significance (1 of 4 stars; one submission).

Allele frequency attached by ClinVar (database versions not stated): gnomAD 0.00001; TOPMed 0.00002; ExAC 0.00003; gnomAD exomes 0.00003.

Submission:

Labcorp Genetics (formerly Invitae), Labcorp
Classification: Uncertain significance. Last evaluated: 2025-09-22. Review status: criteria provided, single submitter. Criteria: Invitae Variant Classification Sherloc (09022015). Collection method: clinical testing. Allele origin: germline.
Comment: This sequence change replaces arginine, which is basic and polar, with tryptophan, which is neutral and slightly polar, at codon 436 of the ANKZF1 protein (p.Arg436Trp). This variant is present in population databases (rs771781981, gnomAD 0.01%). This variant has not been reported in the literature in individuals affected with ANKZF1-related conditions. ClinVar contains an entry for this variant (Variation ID: 1514171). An algorithm developed to predict the effect of missense changes on protein structure and function (PolyPhen-2) suggests that this variant is likely to be disruptive. In summary, the available evidence is currently insufficient to determine the role of this variant in disease. Therefore, it has been classified as a Variant of Uncertain Significance.